The following is an entry in ClinVar:

ClinVar aggregate classification (germline): Uncertain significance. Review status: criteria provided, multiple submitters, no conflicts (2 of 4 stars). 5 submissions from 4 submitters: Uncertain significance (5). Last evaluated 2024-12-03.

Conditions:
Inborn genetic diseases. Identifiers: MedGen C0950123, MeSH D030342.
Usher syndrome type 1D (USH1D). Also called: USHER SYNDROME, TYPE ID. Identifiers: Orphanet 231169, Orphanet 886, MedGen C1832845, MONDO:0010984, OMIM 601067.
Autosomal recessive nonsyndromic hearing loss 12. Also called: DEAFNESS, AUTOSOMAL RECESSIVE 12. Identifiers: Orphanet 90636, MedGen C1832394, MONDO:0011067, OMIM 601386.

Allele frequency attached by ClinVar (database versions not stated): gnomAD below 0.00001 and 0.00001; gnomAD exomes 0.00002 and 0.00005; ExAC 0.00004.
gnomAD v4.1: 34 of 1,613,908 alleles (0.0021%); highest among the groups gnomAD compares: South Asian, 0.035%; no homozygotes.

Submissions (5):

GeneDx
Classification: Uncertain significance. Last evaluated: 2024-12-03. Review status: criteria provided, single submitter. Criteria: GeneDx Variant Classification Process June 2021. Collection method: clinical testing. Allele origin: germline. Affected: yes.
Comment: In silico analysis supports that this missense variant has a deleterious effect on protein structure/function; Has not been previously published as pathogenic or benign to our knowledge

Ambry Genetics
Classification: Uncertain significance for Inborn genetic diseases. Last evaluated: 2024-05-02. Review status: criteria provided, single submitter. Criteria: Ambry Variant Classification Scheme 2023. Collection method: clinical testing. Allele origin: germline.

Labcorp Genetics (formerly Invitae), Labcorp
Classification: Uncertain significance. Last evaluated: 2021-09-17. Review status: criteria provided, single submitter. Criteria: Invitae Variant Classification Sherloc (09022015). Collection method: clinical testing. Allele origin: germline.
Comment: This sequence change replaces glutamic acid with lysine at codon 1753 of the CDH23 protein (p.Glu1753Lys). The glutamic acid residue is weakly conserved and there is a small physicochemical difference between glutamic acid and lysine. This variant is present in population databases (rs759706770, ExAC 0.03%). This variant has not been reported in the literature in individuals affected with CDH23-related conditions. ClinVar contains an entry for this variant (Variation ID: 300442). Algorithms developed to predict the effect of missense changes on protein structure and function are either unavailable or do not agree on the potential impact of this missense change (SIFT: "Deleterious"; PolyPhen-2: "Not Available"; Align-GVGD: "Class C15"). In summary, the available evidence is currently insufficient to determine the role of this variant in disease. Therefore, it has been classified as a Variant of Uncertain Significance.

Illumina Laboratory Services, Illumina
Classification: Uncertain significance for Usher syndrome type 1D. Last evaluated: 2018-01-12. Review status: criteria provided, single submitter. Criteria: ICSL Variant Classification Criteria 13 December 2019. Collection method: clinical testing. Allele origin: germline.

Illumina Laboratory Services, Illumina
Classification: Uncertain significance for Autosomal recessive nonsyndromic hearing loss 12. Last evaluated: 2018-01-12. Review status: criteria provided, single submitter. Criteria: ICSL Variant Classification Criteria 13 December 2019. Collection method: clinical testing. Allele origin: germline.

NM_022124.6(CDH23):c.5257G>A (p.Glu1753Lys)

Gene: CDH23 (cadherin related 23; plus strand). Cytogenetic location: 10q22.1.
Variant type: single nucleotide variant.
Coding change: c.5257G>A on transcript NM_022124.6 (MANE Select); coding-DNA position 5257, G replaced by A.
Protein change: p.Glu1753Lys; replaces glutamic acid 1753 with lysine.
Molecular consequence: missense variant.
Genome position (GRCh38, 1-based): chr10:71,779,336, G>A. VCF-style: chr10-71779336-G-A. GRCh37 (hg19) VCF-style: chr10-73539093-G-A.
Other names: short protein forms E1753K.
Identifiers: ClinVar variation 300442 (VCV000300442.8), dbSNP rs759706770, ClinGen allele CA5545700.
Genomic context (GRCh38, chr10:71,779,336, plus strand): 5'-AATGTGAATGACATCAACGACAATGTGCCTACCTTCCCCCGGGACTATGAGGGACCATTT[G>A]AAGTCACTGAGGGCCAGCCGGGGCCCAGAGTGTGGACCTTCCTGGCCCATGACCGAGACT-3'
Protein context (NP_071407.4, residues 1743-1763): TFPRDYEGPF[Glu1753Lys]VTEGQPGPRV